The following is an entry in ClinVar:

NM_001042492.3(NF1):c.1721+6T>G

Gene: NF1 (neurofibromin 1; plus strand). Cytogenetic location: 17q11.2.
Variant type: single nucleotide variant.
Coding change: c.1721+6T>G on transcript NM_001042492.3 (MANE Select); 6 bases into the intron after coding-DNA position 1721, T replaced by G.
Molecular consequence: intron variant. On other transcripts: missense variant (1).
Genome position (GRCh38, 1-based): chr17:31,221,935, T>G. VCF-style: chr17-31221935-T-G. GRCh37 (hg19) VCF-style: chr17-29548953-T-G.
Other names: c.1727T>G, p.Met576Arg (NM_001128147.3); c.1721+6T>G (NM_000267.4); short protein forms M576R.
Identifiers: ClinVar variation 1318563 (VCV001318563.3), dbSNP rs2144005065, ClinGen allele CA399002403.
Genomic context (GRCh38, chr17:31,221,935, plus strand): 5'-ATAGCATTGATTTGTGGAATCCTGATGCTCCTGTAGAAACATTTTGGGAGATTAGGTATA[T>G]GTACTTTTATTTTTTAAATTCAACTTTTAAATTTTATTTTGTATTTTTGTCTTGAAATAT-3'

ClinVar aggregate classification (germline): Uncertain significance. Review status: criteria provided, multiple submitters, no conflicts (2 of 4 stars). 2 submissions from 2 submitters: Uncertain significance (2). Last evaluated 2025-02-16.

Submissions (2):

Laboratory of Genetics, Children's Clinical University Hospital Latvia
Classification: Uncertain significance. Last evaluated: 2025-02-16. Review status: criteria provided, single submitter. Criteria: ACMG Guidelines, 2015. Collection method: clinical testing. Allele origin: germline. Affected: yes.

GeneDx
Classification: Uncertain significance. Last evaluated: 2020-03-16. Review status: criteria provided, single submitter. Criteria: GeneDx Variant Classification Process June 2021. Collection method: clinical testing. Allele origin: germline. Affected: yes.
Comment: Not observed in large population cohorts (Lek 2016); Has not been previously published as pathogenic or benign to our knowledge; In-silico analysis, which includes splice predictors and evolutionary conservation, is inconclusive as to whether the variant alters gene splicing. In the absence of RNA/functional studies, the actual effect of this sequence change is unknown.